The following is an entry in ClinVar:

ClinVar aggregate classification (germline): Likely pathogenic (1 of 4 stars; one submission).

Conditions:
Inborn genetic diseases. Identifiers: MedGen C0950123, MeSH D030342.

gnomAD v4.1: 4 of 1,614,116 alleles (0.00025%); highest among the groups gnomAD compares: Non-Finnish European, 0.00034%; no homozygotes.

Submission:

Ambry Genetics
Classification: Likely pathogenic for Inborn genetic diseases. Last evaluated: 2025-04-03. Review status: criteria provided, single submitter. Criteria: Ambry Variant Classification Scheme 2023. Collection method: clinical testing. Allele origin: germline.
Comment: The c.298+2T>A intronic variant results from a T to A substitution two nucleotides after coding exon 3 in the DDX41 gene. This nucleotide position is highly conserved in available vertebrate species. In silico splice site analysis predicts that this alteration will weaken the native splice donor site; however, direct evidence is insufficient at this time (Ambry internal data). Alterations that disrupt the canonical splice site are expected to cause aberrant splicing, resulting in an abnormal protein or a transcript that is subject to nonsense-mediated mRNA decay. As such, this alteration is classified as likely pathogenic.

NM_016222.4(DDX41):c.298+2T>A

Gene: DDX41 (DEAD-box helicase 41; minus strand). Cytogenetic location: 5q35.3.
Variant type: single nucleotide variant.
Coding change: c.298+2T>A on transcript NM_016222.4 (MANE Select); the canonical splice donor site of the intron after coding-DNA position 298, T replaced by A.
Molecular consequence: splice donor variant.
Genome position (GRCh38, 1-based): chr5:177,516,286, A>T on the plus strand (T>A on the coding strand, the complement: DDX41 is on the minus strand). VCF-style: chr5-177516286-A-T. GRCh37 (hg19) VCF-style: chr5-176943287-A-T.
Other names: c.-81+2T>A (NM_001321830.2, NM_001321732.2).
Identifiers: ClinVar variation 4010282 (VCV004010282.1).